The following is an entry in ClinVar:

NM_032444.4(SLX4):c.1052_1053insGCCGGGCGCGGTGGCTCACGCCTGTAATCCCAGCACTTTGGGAGGCCGAGGCGGGTGGATCATGAGGTCAGNNNNNNNNNNAAAAAAAAAAAAAAAAAAAAAAAGAGCAGAACCAG (p.Ser351fs)

Gene: SLX4 (SLX4 structure-specific endonuclease subunit; minus strand). Cytogenetic location: 16p13.3.
Variant type: Insertion.
Coding change: c.1052_1053insGCCGGGCGCGGTGGCTCACGCCTGTAATCCCAGCACTTTGGGAGGCCGAGGCGGGTGGATCATGAGGTCAGNNNNNNNNNNAAAAAAAAAAAAAAAAAAAAAAAGAGCAGAACCAG on transcript NM_032444.4 (MANE Select); coding-DNA positions 1052 to 1053, GCCGGGCGCGGTGGCTCACGCCTGTAATCCCAGCACTTTGGGAGGCCGAGGCGGGTGGATCATGAGGTCAGNNNNNNNNNNAAAAAAAAAAAAAAAAAAAAAAAGAGCAGAACCAG inserted.
Protein change: p.Ser351fs; shifts the reading frame from serine 351.
Molecular consequence: frameshift variant.
Genome position: GRCh38: chr16:3,601,104-3,601,105. GRCh37 (hg19): chr16:3,651,105-3,651,106.
Other names: short protein forms S351fs.
Identifiers: ClinVar variation 4729462 (VCV004729462.1).

ClinVar aggregate classification (germline): Pathogenic (1 of 4 stars; one submission).

Conditions:
Fanconi anemia (FA). Also called: Fanconi's anemia. Identifiers: Orphanet 84, MedGen C0015625, MeSH D005199, MONDO:0019391.

Submission:

Labcorp Genetics (formerly Invitae), Labcorp
Classification: Pathogenic for Fanconi anemia. Last evaluated: 2025-10-18. Review status: criteria provided, single submitter. Criteria: Invitae Variant Classification Sherloc (09022015). Collection method: clinical testing. Allele origin: germline.
Comment: This sequence change inserts a large fragment of DNA, likely a transposable element, in exon 5 of the SLX4 gene (c.1052_1053ins?), causing a frameshift at codon 351 (p.Ser351fs). The exact size and sequence of the insertion cannot be determined by the current assay. However, the insertion is expected to result in an absent or disrupted protein product. This variant is not present in population databases (gnomAD no frequency). This variant has not been reported in the literature in individuals affected with SLX4-related conditions. Retrotransposon insertions including LINE1 (L1), Alu, and SVA (SINE-VNTR-Alu) have been reported to be disease-causing through disruption of either a coding region or splice site (PMID: 19763152, 20307669, 22406018) and loss-of-function variants in SLX4 are known to be pathogenic (PMID: 21240277). For these reasons, this variant has been classified as Pathogenic.

Literature cited by the submitters: PubMed 19763152; PubMed 20307669; PubMed 22406018; PubMed 21240277.